The following is an entry in ClinVar:

ClinVar aggregate classification (germline): Uncertain significance. Review status: criteria provided, multiple submitters, no conflicts (2 of 4 stars). 2 submissions from 2 submitters: Uncertain significance (2). Last evaluated 2024-11-19.

Conditions:
Arrhythmogenic right ventricular dysplasia 13. Also called: Arrhythmogenic right ventricular dysplasia, familial, 13; ARRHYTHMOGENIC RIGHT VENTRICULAR CARDIOMYOPATHY 13. Identifiers: MedGen C3810138, MONDO:0000908, OMIM 615616.

Allele frequency attached by ClinVar (database versions not stated): gnomAD 0.00001; gnomAD exomes 0.00001 and 0.00002; TOPMed 0.00001; ExAC 0.00002; ESP Exome Variant Server 0.00008.
gnomAD v4.1: 9 of 1,614,006 alleles (0.00056%); highest among the groups gnomAD compares: Non-Finnish European, 0.00076%; no homozygotes.

Submissions (2):

Labcorp Genetics (formerly Invitae), Labcorp
Classification: Uncertain significance for Arrhythmogenic right ventricular dysplasia 13. Last evaluated: 2024-11-19. Review status: criteria provided, single submitter. Criteria: Invitae Variant Classification Sherloc (09022015). Collection method: clinical testing. Allele origin: germline.
Comment: This sequence change replaces glycine, which is neutral and non-polar, with cysteine, which is neutral and slightly polar, at codon 553 of the CTNNA3 protein (p.Gly553Cys). This variant is present in population databases (rs371983729, gnomAD 0.004%). This variant has not been reported in the literature in individuals affected with CTNNA3-related conditions. ClinVar contains an entry for this variant (Variation ID: 1465348). Invitae Evidence Modeling of protein sequence and biophysical properties (such as structural, functional, and spatial information, amino acid conservation, physicochemical variation, residue mobility, and thermodynamic stability) indicates that this missense variant is not expected to disrupt CTNNA3 protein function with a negative predictive value of 80%. In summary, the available evidence is currently insufficient to determine the role of this variant in disease. Therefore, it has been classified as a Variant of Uncertain Significance.

Ambry Genetics
Classification: Uncertain significance. Last evaluated: 2024-05-12. Review status: criteria provided, single submitter. Criteria: Ambry Variant Classification Scheme 2023. Collection method: clinical testing. Allele origin: germline.
Comment: The p.G553C variant (also known as c.1657G>T), located in coding exon 11 of the CTNNA3 gene, results from a G to T substitution at nucleotide position 1657. The glycine at codon 553 is replaced by cysteine, an amino acid with highly dissimilar properties. This amino acid position is conserved. In addition, this alteration is predicted to be tolerated by in silico analysis. Since supporting evidence is limited at this time, the clinical significance of this alteration remains unclear.

NM_013266.4(CTNNA3):c.1657G>T (p.Gly553Cys)

Gene: CTNNA3 (catenin alpha 3; minus strand). Cytogenetic location: 10q21.3.
Variant type: single nucleotide variant.
Coding change: c.1657G>T on transcript NM_013266.4 (MANE Select); coding-DNA position 1657, G replaced by T.
Protein change: p.Gly553Cys; replaces glycine 553 with cysteine.
Molecular consequence: missense variant.
Genome position (GRCh38, 1-based): chr10:66,379,227, C>A on the plus strand (G>T on the coding strand, the complement: CTNNA3 is on the minus strand). VCF-style: chr10-66379227-C-A. GRCh37 (hg19) VCF-style: chr10-68138985-C-A.
Other names: c.1657G>T, p.Gly553Cys (NM_001127384.3); short protein forms G553C.
Identifiers: ClinVar variation 1465348 (VCV001465348.11), dbSNP rs371983729, ClinGen allele CA5519866.